The following is an entry in ClinVar:

ClinVar aggregate classification (germline): Conflicting classifications of pathogenicity. Review status: criteria provided, conflicting classifications (1 of 4 stars). 2 submissions from 2 submitters: Uncertain significance (1); Benign (1). Last evaluated 2026-03-31.

Conditions:
RAI1-related disorder. Also called: RAI1-related condition.

Allele frequency attached by ClinVar (database versions not stated): gnomAD 0.00001; TOPMed 0.00001; ExAC 0.00002; ESP Exome Variant Server 0.00008.
gnomAD v4.1: 8 of 1,613,520 alleles (0.0005%); highest among the groups gnomAD compares: South Asian, 0.0033%; no homozygotes.

Submissions (2):

PreventionGenetics, part of Exact Sciences
Classification: Uncertain significance for RAI1-related condition. Last evaluated: 2026-03-31. Review status: criteria provided, single submitter. Criteria: ACMG Guidelines, 2015. Collection method: clinical testing. Allele origin: germline.
Comment: The RAI1 c.1978C>T variant is predicted to result in the amino acid substitution p.Arg660Trp. To our knowledge, this variant has not been reported in the literature. This variant is reported in 0.0099% of alleles in individuals of Ashkenazi Jewish descent in gnomAD. Although we suspect that this variant may be benign, at this time, the clinical significance of this variant is uncertain due to the absence of conclusive functional and genetic evidence.

Labcorp Genetics (formerly Invitae), Labcorp
Classification: Benign. Last evaluated: 2023-11-19. Review status: criteria provided, single submitter. Criteria: Invitae Variant Classification Sherloc (09022015). Collection method: clinical testing. Allele origin: germline.

NM_030665.4(RAI1):c.1978C>T (p.Arg660Trp)

Gene: RAI1 (retinoic acid induced 1; plus strand). Cytogenetic location: 17p11.2.
Variant type: single nucleotide variant.
Coding change: c.1978C>T on transcript NM_030665.4 (MANE Select); coding-DNA position 1978, C replaced by T.
Protein change: p.Arg660Trp; replaces arginine 660 with tryptophan.
Molecular consequence: missense variant.
Genome position (GRCh38, 1-based): chr17:17,794,926, C>T. VCF-style: chr17-17794926-C-T. GRCh37 (hg19) VCF-style: chr17-17698240-C-T.
Other names: c.1978C>T (NM_030665.3); short protein forms R660W.
Identifiers: ClinVar variation 2199673 (VCV002199673.5), dbSNP rs368153754, ClinGen allele CA8418436.